The following is an entry in ClinVar:

ClinVar aggregate classification (germline): Uncertain significance (1 of 4 stars; one submission).

Allele frequency attached by ClinVar (database versions not stated): TOPMed 0.00003.
gnomAD v4.1: 2 of 1,524,512 alleles (0.00013%); no homozygotes.

Submission:

Labcorp Genetics (formerly Invitae), Labcorp
Classification: Uncertain significance. Last evaluated: 2025-12-22. Review status: criteria provided, single submitter. Criteria: Invitae Variant Classification Sherloc (09022015). Collection method: clinical testing. Allele origin: germline.
Comment: This sequence change affects an acceptor splice site in intron 3 of the DNA2 gene. It is expected to disrupt RNA splicing. Variants that disrupt the donor or acceptor splice site typically lead to a loss of protein function (PMID: 16199547), however the current clinical and genetic evidence is not sufficient to establish whether loss-of-function variants in DNA2 cause disease. The frequency data for this variant in the population databases is considered unreliable, as metrics indicate poor data quality at this position in the gnomAD database. This variant has not been reported in the literature in individuals affected with DNA2-related conditions. ClinVar contains an entry for this variant (Variation ID: 1970073). Algorithms developed to predict the effect of sequence changes on RNA splicing suggest that this variant may disrupt the consensus splice site. In summary, the available evidence is currently insufficient to determine the role of this variant in disease. Therefore, it has been classified as a Variant of Uncertain Significance.

Literature cited by the submitters: PubMed 16199547.

NM_001080449.3(DNA2):c.442-2A>G

Gene: DNA2 (DNA replication helicase/nuclease 2; minus strand). Cytogenetic location: 10q21.3.
Variant type: single nucleotide variant.
Coding change: c.442-2A>G on transcript NM_001080449.3 (MANE Select); the canonical splice acceptor site of the intron before coding-DNA position 442, A replaced by G.
Molecular consequence: splice acceptor variant.
Genome position (GRCh38, 1-based): chr10:68,465,814, T>C on the plus strand (A>G on the coding strand, the complement: DNA2 is on the minus strand). VCF-style: chr10-68465814-T-C. GRCh37 (hg19) VCF-style: chr10-70225571-T-C.
Identifiers: ClinVar variation 1970073 (VCV001970073.5), dbSNP rs1186936544, ClinGen allele CA376828755.